The following is an entry in ClinVar:

NM_000059.4(BRCA2):c.5189del (p.Asn1730fs)

Gene: BRCA2 (BRCA2 DNA repair associated; plus strand). Cytogenetic location: 13q13.1.
Variant type: Deletion.
Coding change: c.5189del on transcript NM_000059.4 (MANE Select); coding-DNA position 5189, one base deleted (A; older notation c.5189delA).
Protein change: p.Asn1730fs; shifts the reading frame from asparagine 1730.
Molecular consequence: frameshift variant.
Genome position (GRCh38, 1-based): chr13:32,339,544, A deleted; the last of 5 consecutive A bases (chr13:32,339,540-32,339,544); deleting any one gives the same sequence. VCF-style (leftmost placement, unchanged base first): chr13-32339539-CA-C. GRCh37 (hg19) VCF-style: chr13-32913676-CA-C.
Other names: short protein forms N1730fs.
Identifiers: ClinVar variation 628157 (VCV000628157.11), dbSNP rs1566231879, ClinGen allele CA913188622.

ClinVar aggregate classification (germline): Pathogenic/Likely pathogenic. Review status: criteria provided, multiple submitters, no conflicts (2 of 4 stars). 3 submissions from 3 submitters: Pathogenic (2); Likely pathogenic (1). Last evaluated 2023-10-16.

Conditions:
Hereditary cancer-predisposing syndrome. Also called: Neoplastic Syndromes, Hereditary; Tumor predisposition; Hereditary neoplastic syndrome; Hereditary Cancer Syndrome. Identifiers: Orphanet 140162, MedGen C0027672, MeSH D009386, MONDO:0015356.
Hereditary breast ovarian cancer syndrome. Also called: Hereditary breast and ovarian cancer syndrome; Hereditary breast and ovarian cancer; Hereditary breast and ovarian cancer syndrome (HBOC); Breast and ovarian cancer; Hereditary breast and/or ovarian cancer syndrome; BRCA1- and BRCA2-Associated Hereditary Breast and Ovarian Cancer. Identifiers: Orphanet 145, MedGen C0677776, MeSH D061325, MONDO:0003582. Disease mechanism: loss of function.

Submissions (3):

Quest Diagnostics Nichols Institute San Juan Capistrano
Classification: Likely pathogenic. Last evaluated: 2023-10-16. Review status: criteria provided, single submitter. Criteria: Quest Diagnostics criteria. Collection method: clinical testing. Allele origin: unknown.
Comment: The BRCA2 c.5189del (p.Asn1730Ilefs*11) variant alters the translational reading frame of the BRCA2 mRNA and is predicted to cause the premature termination of BRCA2 protein synthesis. This variant has not been reported in individuals with BRCA2-related conditions in the published literature. This variant has not been reported in large, multi-ethnic general populations (Genome Aggregation Database). Based on the available information, this variant is classified as likely pathogenic.

Labcorp Genetics (formerly Invitae), Labcorp
Classification: Pathogenic for Hereditary breast ovarian cancer syndrome. Last evaluated: 2020-10-14. Review status: criteria provided, single submitter. Criteria: Invitae Variant Classification Sherloc (09022015). Collection method: clinical testing. Allele origin: germline.
Comment: This sequence change creates a premature translational stop signal (p.Asn1730Ilefs*11) in the BRCA2 gene. It is expected to result in an absent or disrupted protein product. For these reasons, this variant has been classified as Pathogenic. Loss-of-function variants in BRCA2 are known to be pathogenic (PMID: 20104584). This variant has not been reported in the literature in individuals with BRCA2-related conditions. ClinVar contains an entry for this variant (Variation ID: 628157). This variant is not present in population databases (ExAC no frequency).

Color Diagnostics, LLC DBA Color Health
Classification: Pathogenic for Hereditary cancer-predisposing syndrome. Last evaluated: 2020-05-18. Review status: criteria provided, single submitter. Criteria: ACMG Guidelines, 2015. Collection method: clinical testing. Allele origin: germline.
Comment: This variant deletes 1 nucleotide in exon 11 of the BRCA2 gene, creating a frameshift and premature translation stop signal. This variant is expected to result in an absent or non-functional protein product. To our knowledge, this variant has not been reported in individuals affected with hereditary cancer in the literature. This variant has not been identified in the general population by the Genome Aggregation Database (gnomAD). Loss of BRCA2 function is a known mechanism of disease. Based on the available evidence, this variant is classified as Pathogenic.

Literature cited by the submitters: PubMed 20104584 (cited by Labcorp Genetics (formerly Invitae), Labcorp).